The following is an entry in ClinVar:

NM_005560.6(LAMA5):c.4503G>A (p.Pro1501=)

Gene: LAMA5 (laminin subunit alpha 5; minus strand). Cytogenetic location: 20q13.33.
Variant type: single nucleotide variant.
Coding change: c.4503G>A on transcript NM_005560.6 (MANE Select); coding-DNA position 4503, G replaced by A.
Protein change: p.Pro1501=; no amino-acid change (proline 1501 retained).
Molecular consequence: synonymous variant.
Genome position (GRCh38, 1-based): chr20:62,328,390, C>T on the plus strand (G>A on the coding strand, the complement: LAMA5 is on the minus strand). VCF-style: chr20-62328390-C-T. GRCh37 (hg19) VCF-style: chr20-60903446-C-T.
Identifiers: ClinVar variation 2905613 (VCV002905613.5), dbSNP rs200643051, ClinGen allele CA9942574.

ClinVar aggregate classification (germline): Likely benign. Review status: criteria provided, multiple submitters, no conflicts (2 of 4 stars). 2 submissions from 2 submitters: Likely benign (2). Last evaluated 2026-04-01.

Allele frequency attached by ClinVar (database versions not stated): TOPMed 0.00006; ESP Exome Variant Server 0.00008; ExAC 0.00026; 1000 Genomes Project 30x 0.00031; 1000 Genomes Project 0.00040.
gnomAD v4.1: 144 of 1,557,166 alleles (0.0092%); highest among the groups gnomAD compares: Non-Finnish European, 0.011%; 1 homozygote.

Submissions (2):

CeGaT Center for Human Genetics Tuebingen
Classification: Likely benign. Last evaluated: 2026-04-01. Review status: criteria provided, single submitter. Criteria: CeGaT Center For Human Genetics Tuebingen Variant Classification Criteria Version 2. Collection method: clinical testing. Allele origin: germline. Affected: yes. Observed: 1 variant allele.
Comment: LAMA5: BP4, BP7

Labcorp Genetics (formerly Invitae), Labcorp
Classification: Likely benign. Last evaluated: 2025-11-06. Review status: criteria provided, single submitter. Criteria: Invitae Variant Classification Sherloc (09022015). Collection method: clinical testing. Allele origin: germline.